The following is an entry in ClinVar:

NM_000179.3(MSH6):c.3130T>A (p.Tyr1044Asn)

Gene: MSH6 (mutS homolog 6; plus strand). Cytogenetic location: 2p16.3.
Variant type: single nucleotide variant.
Coding change: c.3130T>A on transcript NM_000179.3 (MANE Select); coding-DNA position 3130, T replaced by A.
Protein change: p.Tyr1044Asn; replaces tyrosine 1044 with asparagine.
Molecular consequence: missense variant.
Genome position (GRCh38, 1-based): chr2:47,801,113, T>A. VCF-style: chr2-47801113-T-A. GRCh37 (hg19) VCF-style: chr2-48028252-T-A.
Other names: c.2740T>A, p.Tyr914Asn (NM_001281492.2); c.2224T>A, p.Tyr742Asn (NM_001281493.2, NM_001281494.2); short protein forms Y1044N, Y914N, Y742N.
Identifiers: ClinVar variation 627721 (VCV000627721.5), dbSNP rs1346694568, ClinGen allele CA346756661.

ClinVar aggregate classification (germline): Uncertain significance (1 of 4 stars; one submission).

Conditions:
Hereditary cancer-predisposing syndrome. Also called: Tumor predisposition; Hereditary Cancer Syndrome; Neoplastic Syndromes, Hereditary; Hereditary neoplastic syndrome. Identifiers: Orphanet 140162, MedGen C0027672, MeSH D009386, MONDO:0015356.

Submission:

Color Diagnostics, LLC DBA Color Health
Classification: Uncertain significance for Hereditary cancer-predisposing syndrome. Last evaluated: 2023-12-05. Review status: criteria provided, single submitter. Criteria: ACMG Guidelines, 2015. Collection method: clinical testing. Allele origin: germline.
Comment: This missense variant replaces tyrosine with asparagine at codon 1044 of the MSH6 protein. Computational prediction is inconclusive regarding the impact of this variant on protein structure and function (internally defined REVEL score threshold 0.5 < inconclusive < 0.7, PMID: 27666373). To our knowledge, functional studies have not been reported for this variant. This variant has not been reported in individuals affected with MSH6-related disorders in the literature. This variant has not been identified in the general population by the Genome Aggregation Database (gnomAD). The available evidence is insufficient to determine the role of this variant in disease conclusively. Therefore, this variant is classified as a Variant of Uncertain Significance.